The following is an entry in ClinVar:

ClinVar aggregate classification (germline): Pathogenic/Likely pathogenic. Review status: criteria provided, multiple submitters, no conflicts (2 of 4 stars). 4 submissions from 4 submitters: Pathogenic (3); Likely pathogenic (1). Last evaluated 2026-01-03.

Conditions:
ALDH5A1-related disorder. Also called: ALDH5A1-related condition.
Succinate-semialdehyde dehydrogenase deficiency (SSADHD). Also called: SSADH DEFICIENCY; GABA METABOLIC DEFECT; 4-HYDROXYBUTYRIC ACIDURIA; Succinic Semialdehyde Dehydrogenase Deficiency. Identifiers: Orphanet 22, MedGen C0268631, MONDO:0010083, OMIM 271980.

Allele frequency attached by ClinVar (database versions not stated): ExAC 0.00002; gnomAD 0.00002; gnomAD exomes 0.00002 and 0.00003; TOPMed 0.00002.
gnomAD v4.1: 47 of 1,614,082 alleles (0.0029%); highest among the groups gnomAD compares: Non-Finnish European, 0.0039%; no homozygotes.

Submissions (4):

GeneDx
Classification: Likely pathogenic. Last evaluated: 2026-01-03. Review status: criteria provided, single submitter. Criteria: GeneDx Variant Classification Process June 2021. Collection method: clinical testing. Allele origin: germline. Affected: yes.
Comment: Published functional studies suggest a damaging effect, as enzyme activity was decreased compared to wildtype (PMID: 32402538); In silico analysis supports that this missense variant has a deleterious effect on protein structure/function; Not observed at significant frequency in large population cohorts (gnomAD); This variant is associated with the following publications: (PMID: 23926001, 27117035, 31117962, 33203024, Golshan-Tafti2023[article], 32402538, 38862963)

Labcorp Genetics (formerly Invitae), Labcorp
Classification: Pathogenic for Succinate-semialdehyde dehydrogenase deficiency. Last evaluated: 2025-06-15. Review status: criteria provided, single submitter. Criteria: Invitae Variant Classification Sherloc (09022015). Collection method: clinical testing. Allele origin: germline.
Comment: This sequence change replaces glutamic acid, which is acidic and polar, with lysine, which is basic and polar, at codon 231 of the ALDH5A1 protein (p.Glu231Lys). This variant is present in population databases (rs751888532, gnomAD 0.004%). This missense change has been observed in individual(s) with succinic semialdehyde dehydrogenase deficiency (PMID: 27117035, 31117962). In at least one individual the data is consistent with being in trans (on the opposite chromosome) from a pathogenic variant. ClinVar contains an entry for this variant (Variation ID: 934137). Invitae Evidence Modeling of protein sequence and biophysical properties (such as structural, functional, and spatial information, amino acid conservation, physicochemical variation, residue mobility, and thermodynamic stability) indicates that this missense variant is not expected to disrupt ALDH5A1 protein function with a negative predictive value of 80%. Experimental studies have shown that this missense change affects ALDH5A1 function (PMID: 32402538). For these reasons, this variant has been classified as Pathogenic.

PreventionGenetics, part of Exact Sciences
Classification: Pathogenic for ALDH5A1-related condition. Last evaluated: 2023-03-27. Review status: criteria provided, single submitter. Criteria: ACMG Guidelines, 2015. Collection method: clinical testing. Allele origin: germline.
Comment: The ALDH5A1 c.691G>A variant is predicted to result in the amino acid substitution p.Glu231Lys. This variant has been reported in the compound heterozygous state in three individuals with succinic semialdehyde dehydrogenase deficiency (Jiang et al 2013. PubMed ID: 23926001; Horino A et al 2016. PubMed ID: 27117035; Wang P et al 2019. PubMed ID: 31117962). This variant is reported in 0.0040% of alleles in individuals of African descent in gnomAD. In vitro functional analysis showed that this variant causes moderately reduced activity (Pop A et al 2020. PubMed ID: 32402538). This variant is interpreted as pathogenic.

Elsea Laboratory, Baylor College of Medicine
Classification: Pathogenic for Succinate-semialdehyde dehydrogenase deficiency. Last evaluated: 2021-03-08. Review status: criteria provided, single submitter. Criteria: Martin et al. (J Child Neurol. 2021). Collection method: curation. Allele origin: germline. Affected: yes.
Comment: located in NAD binding domain

Literature cited by the submitters: PubMed 27117035 (cited by Labcorp Genetics (formerly Invitae), Labcorp); PubMed 31117962 (cited by Labcorp Genetics (formerly Invitae), Labcorp); PubMed 32402538 (cited by Labcorp Genetics (formerly Invitae), Labcorp); PubMed 23926001 (cited by Elsea Laboratory, Baylor College of Medicine); PubMed 33203024 (cited by Elsea Laboratory, Baylor College of Medicine).

NM_001080.3(ALDH5A1):c.691G>A (p.Glu231Lys)

Gene: ALDH5A1 (aldehyde dehydrogenase 5 family member A1; plus strand). Cytogenetic location: 6p22.3.
Variant type: single nucleotide variant.
Coding change: c.691G>A on transcript NM_001080.3 (MANE Select); coding-DNA position 691, G replaced by A.
Protein change: p.Glu231Lys; replaces glutamic acid 231 with lysine.
Molecular consequence: missense variant.
Genome position (GRCh38, 1-based): chr6:24,504,950, G>A. VCF-style: chr6-24504950-G-A. GRCh37 (hg19) VCF-style: chr6-24505178-G-A.
Other names: c.691G>A, p.Glu231Lys (NM_001368954.1, NM_170740.1); short protein forms E231K.
Identifiers: ClinVar variation 934137 (VCV000934137.14), dbSNP rs751888532, ClinGen allele CA3656693.